The following is an entry in ClinVar:

NM_020928.2(ZSWIM6):c.3569C>T (p.Thr1190Ile)

Gene: ZSWIM6 (zinc finger SWIM-type containing 6; plus strand). Cytogenetic location: 5q12.1.
Variant type: single nucleotide variant.
Coding change: c.3569C>T on transcript NM_020928.2 (MANE Select); coding-DNA position 3569, C replaced by T.
Protein change: p.Thr1190Ile; replaces threonine 1190 with isoleucine.
Molecular consequence: missense variant.
Genome position (GRCh38, 1-based): chr5:61,544,238, C>T. VCF-style: chr5-61544238-C-T. GRCh37 (hg19) VCF-style: chr5-60840065-C-T.
Other names: short protein forms T1190I.
Identifiers: ClinVar variation 1353194 (VCV001353194.8), dbSNP rs1436393669, ClinGen allele CA359947905.

ClinVar aggregate classification (germline): Uncertain significance (1 of 4 stars; one submission).

Allele frequency attached by ClinVar (database versions not stated): gnomAD exomes 0.00001.
gnomAD v4.1: 1 of 1,550,278 alleles (0.000065%); no homozygotes.

Submission:

Labcorp Genetics (formerly Invitae), Labcorp
Classification: Uncertain significance. Last evaluated: 2022-05-21. Review status: criteria provided, single submitter. Criteria: Invitae Variant Classification Sherloc (09022015). Collection method: clinical testing. Allele origin: germline.
Comment: This variant has not been reported in the literature in individuals affected with ZSWIM6-related conditions. In summary, the available evidence is currently insufficient to determine the role of this variant in disease. Therefore, it has been classified as a Variant of Uncertain Significance. Algorithms developed to predict the effect of missense changes on protein structure and function are either unavailable or do not agree on the potential impact of this missense change (SIFT: "Tolerated"; PolyPhen-2: "Possibly Damaging"; Align-GVGD: "Class C0"). This variant is present in population databases (no rsID available, gnomAD 0.004%). This sequence change replaces threonine, which is neutral and polar, with isoleucine, which is neutral and non-polar, at codon 1190 of the ZSWIM6 protein (p.Thr1190Ile).